The following is an entry in ClinVar:

NM_001379291.1(BRD4):c.137dup (p.Pro47fs)

Gene: BRD4 (bromodomain containing 4; minus strand). Cytogenetic location: 19p13.12.
Variant type: Duplication.
Coding change: c.137dup on transcript NM_001379291.1 (MANE Select); coding-DNA position 137, one base duplicated (C; older notation c.137dupC).
Protein change: p.Pro47fs; shifts the reading frame from proline 47.
Molecular consequence: frameshift variant.
Genome position (GRCh38, 1-based): chr19:15,272,963, G duplicated on the plus strand (C on the coding strand, the reverse complement: BRD4 is on the minus strand); the first of 6 consecutive G bases (chr19:15,272,963-15,272,968); duplicating any one gives the same sequence. VCF-style (leftmost placement, unchanged base first): chr19-15272962-C-CG. GRCh37 (hg19) VCF-style: chr19-15383773-C-CG.
Other names: c.137dup, p.Pro47fs (NM_001330384.2, NM_001379292.1, NM_014299.3 and 1 more transcripts); short protein forms P47fs.
Identifiers: ClinVar variation 3342841 (VCV003342841.2).
Genomic context (GRCh38, chr19:15,272,962, plus strand): 5'-CAGGTATTGCAGTTGGTTGGTCTGCCTCTTGGGCTTGTTAGGGTTGGAGGTCTCTGGGGG[C>CG]GGGGGGTTGGTGCTGGCTGCGTTGGCTGGCTGGGGTTGGGCCTGGGCCTGTGTTGTAGAC-3'

ClinVar aggregate classification (germline): Pathogenic (1 of 4 stars; one submission).

Submission:

GeneDx
Classification: Pathogenic. Last evaluated: 2026-10-22. Review status: criteria provided, single submitter. Criteria: GeneDx Variant Classification Process June 2021. Collection method: clinical testing. Allele origin: germline.
Comment: Frameshift variant predicted to result in protein truncation or nonsense mediated decay in a gene for which loss of function is a known mechanism of disease; Not observed at significant frequency in large population cohorts (gnomAD); This variant is associated with the following publications: (PMID: 35470444)